The following is an entry in ClinVar:

ClinVar aggregate classification (germline): Uncertain significance (1 of 4 stars; one submission).

Conditions:
Cardiovascular phenotype. Identifiers: MedGen CN230736.

Allele frequency attached by ClinVar (database versions not stated): gnomAD exomes below 0.00001; TOPMed below 0.00001; gnomAD 0.00001.
gnomAD v4.1: 3 of 1,605,588 alleles (0.00019%); highest among the groups gnomAD compares: African/African-American, 0.0027%; no homozygotes.

Submission:

Ambry Genetics
Classification: Uncertain significance for Cardiovascular phenotype. Last evaluated: 2023-02-03. Review status: criteria provided, single submitter. Criteria: Ambry Variant Classification Scheme 2023. Collection method: clinical testing. Allele origin: germline.
Comment: The p.A753T variant (also known as c.2257G>A), located in coding exon 8 of the HCN4 gene, results from a G to A substitution at nucleotide position 2257. The alanine at codon 753 is replaced by threonine, an amino acid with similar properties. This amino acid position is conserved. In addition, the in silico prediction for this alteration is inconclusive. Since supporting evidence is limited at this time, the clinical significance of this alteration remains unclear.

NM_005477.3(HCN4):c.2257G>A (p.Ala753Thr)

Gene: HCN4 (hyperpolarization activated cyclic nucleotide gated potassium channel 4; minus strand). Cytogenetic location: 15q24.1.
Variant type: single nucleotide variant.
Coding change: c.2257G>A on transcript NM_005477.3 (MANE Select); coding-DNA position 2257, G replaced by A.
Protein change: p.Ala753Thr; replaces alanine 753 with threonine.
Molecular consequence: missense variant.
Genome position (GRCh38, 1-based): chr15:73,323,836, C>T on the plus strand (G>A on the coding strand, the complement: HCN4 is on the minus strand). VCF-style: chr15-73323836-C-T. GRCh37 (hg19) VCF-style: chr15-73616177-C-T.
Other names: short protein forms A753T.
Identifiers: ClinVar variation 2450263 (VCV002450263.2), dbSNP rs1282673833, ClinGen allele CA393089243.